The following is an entry in ClinVar:

ClinVar aggregate classification (germline): Conflicting classifications of pathogenicity. Review status: criteria provided, conflicting classifications (1 of 4 stars). 7 submissions from 7 submitters: Uncertain significance (4); Likely benign (3). Last evaluated 2025-12-14.

Conditions:
Cardiovascular phenotype. Identifiers: MedGen CN230736.
TNXB-related disorder. Also called: TNXB-related condition.

Allele frequency attached by ClinVar (database versions not stated): 1000 Genomes Project 0.00040; ExAC 0.00041; 1000 Genomes Project 30x 0.00062; gnomAD 0.00114 and 0.00126; TOPMed 0.00124; ESP Exome Variant Server 0.00151; gnomAD exomes 0.00009 and 0.00032.
gnomAD v4.1: 326 of 1,612,848 alleles (0.02%); highest among the groups gnomAD compares: African/African-American, 0.34%; no homozygotes.

Submissions (7):

Labcorp Genetics (formerly Invitae), Labcorp
Classification: Likely benign. Last evaluated: 2025-12-14. Review status: criteria provided, single submitter. Criteria: Invitae Variant Classification Sherloc (09022015). Collection method: clinical testing. Allele origin: germline.

Mayo Clinic Laboratories, Mayo Clinic
Classification: Uncertain significance. Last evaluated: 2025-10-06. Review status: criteria provided, single submitter. Criteria: ACMG Guidelines, 2015. Collection method: clinical testing. Allele origin: germline. Observed: 1 variant allele.
Comment: BS1, PP3_moderate

Women's Health and Genetics/Laboratory Corporation of America, LabCorp
Classification: Likely benign. Last evaluated: 2025-09-24. Review status: criteria provided, single submitter. Criteria: LabCorp Variant Classification Summary - May 2015. Collection method: clinical testing. Allele origin: germline.
Comment: Variant summary: TNXB c.5833T>C (p.Tyr1945His) results in a conservative amino acid change in the encoded protein sequence. Algorithms developed to predict the effect of missense changes on protein structure and function are either unavailable or do not agree on the potential impact of this missense change. The variant allele was found at a frequency of 0.00032 in 244630 control chromosomes, predominantly at a frequency of 0.004 within the African or African-American subpopulation in the gnomAD database. The observed variant frequency within African or African-American control individuals in the gnomAD database exceeds the estimated maximal expected allele frequency for disease-causing variants in TNXB. To our knowledge, no occurrence of c.5833T>C in individuals affected with TNXB-related conditions and no experimental evidence demonstrating its impact on protein function have been reported. ClinVar contains an entry for this variant (Variation ID: 1186166). Based on the evidence outlined above, the variant was classified as likely benign.

PreventionGenetics, part of Exact Sciences
Classification: Likely benign for TNXB-related condition. Last evaluated: 2024-12-11. Review status: criteria provided, single submitter. Criteria: ACMG Guidelines, 2015. Collection method: clinical testing. Allele origin: germline.
Comment: This variant is classified as likely benign based on ACMG/AMP sequence variant interpretation guidelines (Richards et al. 2015 PMID: 25741868, with internal and published modifications).

Ambry Genetics
Classification: Uncertain significance for Cardiovascular phenotype. Last evaluated: 2024-11-21. Review status: criteria provided, single submitter. Criteria: Ambry Variant Classification Scheme 2023. Collection method: clinical testing. Allele origin: germline.
Comment: The p.Y1945H variant (also known as c.5833T>C), located in coding exon 15 of the TNXB gene, results from a T to C substitution at nucleotide position 5833. The tyrosine at codon 1945 is replaced by histidine, an amino acid with similar properties. This amino acid position is well conserved in available vertebrate species. In addition, the in silico prediction for this alteration is inconclusive. Since supporting evidence is limited at this time, the clinical significance of this alteration remains unclear.

GeneDx
Classification: Uncertain significance. Last evaluated: 2022-04-19. Review status: criteria provided, single submitter. Criteria: GeneDx Variant Classification Process June 2021. Collection method: clinical testing. Allele origin: germline. Affected: yes.
Comment: Has not been previously published as pathogenic or benign to our knowledge; In silico analysis supports that this missense variant has a deleterious effect on protein structure/function

Breakthrough Genomics
Classification: Uncertain significance. Review status: criteria provided, single submitter. Criteria: ACMG Guidelines, 2015. Collection method: not provided. Allele origin: germline. Inheritance: Autosomal recessive inheritance. Affected: yes.

NM_001365276.2(TNXB):c.5833T>C (p.Tyr1945His)

Gene: TNXB (tenascin XB; minus strand). Cytogenetic location: 6p21.33.
Variant type: single nucleotide variant.
Coding change: c.5833T>C on transcript NM_001365276.2 (MANE Select); coding-DNA position 5833, T replaced by C.
Protein change: p.Tyr1945His; replaces tyrosine 1945 with histidine.
Molecular consequence: missense variant.
Genome position (GRCh38, 1-based): chr6:32,068,891, A>G on the plus strand (T>C on the coding strand, the complement: TNXB is on the minus strand). VCF-style: chr6-32068891-A-G. GRCh37 (hg19) VCF-style: chr6-32036668-A-G.
Other names: p.Tyr1945His; c.5833T>C, p.Tyr1945His (NM_019105.8); short protein forms Y1945H.
Identifiers: ClinVar variation 1186166 (VCV001186166.12), dbSNP rs201412413, ClinGen allele CA3734596.